The following is an entry in ClinVar:

NM_000071.3(CBS):c.1431C>A (p.Asp477Glu)

Gene: CBS (cystathionine beta-synthase; minus strand). Cytogenetic location: 21q22.3.
Variant type: single nucleotide variant.
Coding change: c.1431C>A on transcript NM_000071.3 (MANE Select); coding-DNA position 1431, C replaced by A.
Protein change: p.Asp477Glu; replaces aspartic acid 477 with glutamic acid.
Molecular consequence: missense variant.
Genome position (GRCh38, 1-based): chr21:43,058,181, G>T on the plus strand (C>A on the coding strand, the complement: CBS is on the minus strand). VCF-style: chr21-43058181-G-T. GRCh37 (hg19) VCF-style: chr21-44478291-G-T.
Other names: c.1431C>A, p.Asp477Glu (NM_001178008.3, NM_001178009.3, NM_001320298.2); c.1116C>A, p.Asp372Glu (NM_001321072.1); short protein forms D477E, D372E.
Identifiers: ClinVar variation 519584 (VCV000519584.6), dbSNP rs1555871920, ClinGen allele CA410396681.

ClinVar aggregate classification (germline): Uncertain significance. Review status: criteria provided, single submitter (1 of 4 stars). 2 submissions from 2 submitters: Uncertain significance (1). 1 of the submissions does not count toward it. Last evaluated 2016-01-07.

Conditions:
Familial thoracic aortic aneurysm and aortic dissection (TAAD). Also called: Thoracic aortic aneurysms and dissections. Identifiers: Orphanet 91387, MedGen C4707243, MONDO:0019625.
Classic homocystinuria. Also called: Homocystinuria due to CBS deficiency; Cystathionine beta-synthase deficiency; CBS deficiency; Homocystinuria due to Cystathionine Beta-Synthase Deficiency; HOMOCYSTINURIA WITH OR WITHOUT RESPONSE TO PYRIDOXINE. Identifiers: Orphanet 394, MedGen C0751202, MONDO:0009352, OMIM 236200.

Submissions (2):

Ambry Genetics
Classification: Uncertain significance for Familial thoracic aortic aneurysm and aortic dissection. Last evaluated: 2016-01-07. Review status: criteria provided, single submitter. Criteria: Ambry Variant Classification Scheme 2023. Collection method: clinical testing. Allele origin: germline.
Comment: The p.D477E variant (also known as c.1431C>A), located in coding exon 13 of the CBS gene, results from a C to A substitution at nucleotide position 1431. The aspartic acid at codon 477 is replaced by glutamic acid, an amino acid with highly similar properties. This variant was not reported in population based cohorts in the following databases: Database of Single Nucleotide Polymorphisms (dbSNP), NHLBI Exome Sequencing Project (ESP), and 1000 Genomes Project. In the ESP, this variant was not observed in 6503 samples (13006 alleles) with coverage at this position. This amino acid position is highly conserved in available vertebrate species. In addition, the in silico prediction for this alteration is inconclusive. Since supporting evidence is limited at this time, the clinical significance of this variant remains unclear.

Natera, Inc.
Classification: Uncertain significance for Homocystinuria due to cystathionine beta-synthase deficiency. Last evaluated: 2025-01-21. Review status: no assertion criteria provided. Collection method: clinical testing. Allele origin: germline. Not counted in ClinVar's aggregate classification.